The following is an entry in ClinVar:

ClinVar aggregate classification (germline): Uncertain significance. Review status: reviewed by expert panel (3 of 4 stars). 2 submissions from 2 submitters: Uncertain significance (1). 1 of the submissions does not count toward it. Last evaluated 2025-08-01.

Conditions:
Malignant hyperthermia of anesthesia. Also called: Anesthesic-triggered malignant hyperthermia. Identifiers: Orphanet 423, MedGen C0024591, MONDO:0018493, HP:0034733.

Submissions (2):

ClinGen Malignant Hyperthermia Susceptibility Variant Curation Expert Panel, ClinGen
Classification: Uncertain significance for Malignant hyperthermia of anesthesia. Last evaluated: 2025-08-01. Review status: reviewed by expert panel. Criteria: ClinGen MHS ACMG Specifications V2. Collection method: curation. Allele origin: germline. Inheritance: Autosomal dominant inheritance.
Comment: This pathogenicity assessment is relevant only for malignant hyperthermia susceptibility (MHS) inherited in an autosomal dominant pattern. Variants in RYR1 can also cause other myopathies inherited in an autosomal dominant pattern or in an autosomal recessive pattern. Some of these disorders may predispose individuals to malignant hyperthermia. RYR1 variants may also contribute to a malignant hyperthermia reaction in combination with other genetic and non-genetic factors and the clinician needs to consider such factors in making management decisions. This sequence variant predicts a substitution of glutamic acid with aspartic acid at codon 2344 of the RYR1 protein, p.(Glu2344Asp). This variant was not present in a large population database (gnomAD) at the time this variant was interpreted. This variant has been reported in an individual with a personal or family history of an MH episode but without in vitro contracture test (IVCT) or caffeine halothane contracture test (CHCT) results, PS4 was not implemented (PMID:16163667). No functional studies were identified for this variant. This variant resides in a region of RYR1 considered to be a hotspot for pathogenic variants that contribute to MHS, PM1 (PMID: 21118704). A REVEL score of 0.657 supports neither a pathogenic nor a benign status for this variant. This variant has been classified as a Variant of Unknown Significance. Criteria implemented: PM1.

RYR1 database
No classification provided. Review status: no classification provided. Collection method: not provided. Allele origin: unknown. Not counted in ClinVar's aggregate classification.

NM_000540.3(RYR1):c.7032G>C (p.Glu2344Asp)

Gene: RYR1 (ryanodine receptor 1; plus strand). Cytogenetic location: 19q13.2.
Variant type: single nucleotide variant.
Coding change: c.7032G>C on transcript NM_000540.3 (MANE Select); coding-DNA position 7032, G replaced by C.
Protein change: p.Glu2344Asp; replaces glutamic acid 2344 with aspartic acid.
Molecular consequence: missense variant.
Genome position (GRCh38, 1-based): chr19:38,499,639, G>C. VCF-style: chr19-38499639-G-C. GRCh37 (hg19) VCF-style: chr19-38990279-G-C.
Other names: NM_000540.2(RYR1):c.7032G>C; c.7032G>C, p.Glu2344Asp (NM_001042723.2); short protein forms E2344D.
Identifiers: ClinVar variation 133178 (VCV000133178.4), dbSNP rs193922798, ClinGen allele CA024673.
Genomic context (GRCh38, chr19:38,499,639, plus strand): 5'-TGGGGAGGTCTCTGATGGTGGCTCATGAGACCCCCTTTCCCCATGCGGGTGGCCAGGCGA[G>C]AGCGTGGAGGAGAACGCCAATGTGGTGGTGCGGCTGCTCATCCGGAAGCCTGAGTGCTTC-3'
Protein context (NP_000531.2, residues 2334-2354): FLRFAVFVNG[Glu2344Asp]SVEENANVVV